The following is an entry in ClinVar:

NM_000155.4(GALT):c.102C>G (p.Tyr34Ter)

Genes: GALT (galactose-1-phosphate uridylyltransferase; plus strand), LOC130001683 (ATAC-STARR-seq lymphoblastoid active region 28314; plus strand). Cytogenetic location: 9p13.3.
Variant type: single nucleotide variant.
Coding change: c.102C>G on transcript NM_000155.4 (MANE Select); coding-DNA position 102, C replaced by G.
Protein change: p.Tyr34Ter; replaces tyrosine 34 with a stop codon.
Molecular consequence: nonsense. On other transcripts: 5 prime UTR variant (1).
Genome position (GRCh38, 1-based): chr9:34,647,108, C>G. VCF-style: chr9-34647108-C-G. GRCh37 (hg19) VCF-style: chr9-34647105-C-G.
Other names: p.Tyr34*; c.102C>G (NM_000155.3); c.-101C>G (NM_001258332.2); short protein forms Y34*.
Identifiers: ClinVar variation 4541431 (VCV004541431.2).

ClinVar aggregate classification (germline): Likely pathogenic. Review status: criteria provided, multiple submitters, no conflicts (2 of 4 stars). 2 submissions from 2 submitters: Likely pathogenic (2). Last evaluated 2025-07-28.

Conditions:
Galactosemia. Also called: Galactose intolerance. Identifiers: Orphanet 352, MedGen C0016952, MONDO:0018116, HP:0004919. Disease mechanism: loss of function.

Submissions (2):

Mayo Clinic Laboratories, Mayo Clinic
Classification: Likely pathogenic. Last evaluated: 2025-07-28. Review status: criteria provided, single submitter. Criteria: ACMG Guidelines, 2015. Collection method: clinical testing. Allele origin: germline. Observed: 1 variant allele.
Comment: PM2_supporting, PVS1

Natera, Inc.
Classification: Likely pathogenic for Galactosemia. Last evaluated: 2025-02-19. Review status: criteria provided, single submitter. Criteria: Natera Variant Classification Schema (03/2026). Collection method: clinical testing. Allele origin: germline.
Comment: The c.102C>G variant in GALT is a nonsense variant predicted to introduce a stop codon at amino acid 34. This variant is expected to result in nonsense mediated decay, truncation, or a dysfunctional protein product. This variant is rare in the general population with a frequency below the threshold expected for the associated phenotype(s). Given the available evidence, this variant is classified as Likely Pathogenic.